The following is an entry in ClinVar:

ClinVar aggregate classification (germline): Uncertain significance. Review status: criteria provided, multiple submitters, no conflicts (2 of 4 stars). 3 submissions from 3 submitters: Uncertain significance (3). Last evaluated 2025-05-27.

Conditions:
Pyknodysostosis. Also called: Pycnodysostosis. Identifiers: Orphanet 763, MedGen C0238402, MONDO:0009940, OMIM 265800.

Allele frequency attached by ClinVar (database versions not stated): gnomAD 0.00002 and 0.00003; TOPMed below 0.00001; ExAC 0.00003.
gnomAD v4.1: 18 of 1,613,980 alleles (0.0011%); highest among the groups gnomAD compares: South Asian, 0.0022%; no homozygotes.

Submissions (3):

GeneDx
Classification: Uncertain significance. Last evaluated: 2025-05-27. Review status: criteria provided, single submitter. Criteria: GeneDx Variant Classification Process June 2021. Collection method: clinical testing. Allele origin: germline.
Comment: Identified in a patient with pycnodysostosis in published literature who harbored a second variant on the opposite allele (PMID: 33945887); In silico analysis supports a deleterious effect on splicing; This variant is associated with the following publications: (PMID: 33945887)

Genome-Nilou Lab
Classification: Uncertain significance for Pyknodysostosis. Last evaluated: 2023-04-11. Review status: criteria provided, single submitter. Criteria: ACMG Guidelines, 2015. Collection method: clinical testing. Allele origin: germline. Affected: no.

Department of Medical Genetics, Sanjay Gandhi Post Graduate Institute of Medical Sciences
Classification: Uncertain significance for Pyknodysostosis. Review status: criteria provided, single submitter. Criteria: ACMG Guidelines, 2015. Collection method: research. Allele origin: germline. Inheritance: Autosomal recessive inheritance. Affected: yes. Observed: 1 compound heterozygote.

NM_000396.4(CTSK):c.375A>G (p.Gly125=)

Gene: CTSK (cathepsin K; minus strand). Cytogenetic location: 1q21.3.
Variant type: single nucleotide variant.
Coding change: c.375A>G on transcript NM_000396.4 (MANE Select); coding-DNA position 375, A replaced by G.
Protein change: p.Gly125=; no amino-acid change (glycine 125 retained).
Molecular consequence: synonymous variant.
Genome position (GRCh38, 1-based): chr1:150,805,885, T>C on the plus strand (A>G on the coding strand, the complement: CTSK is on the minus strand). VCF-style: chr1-150805885-T-C. GRCh37 (hg19) VCF-style: chr1-150778361-T-C.
Other names: c.375A>G (NM_000396.3).
Identifiers: ClinVar variation 982143 (VCV000982143.5), dbSNP rs766065317, ClinGen allele CA1080522.